The following is an entry in ClinVar:

NM_001009944.3(PKD1):c.11758C>G (p.Arg3920Gly)

Gene: PKD1 (polycystin 1, transient receptor potential channel interacting; minus strand). Cytogenetic location: 16p13.3.
Variant type: single nucleotide variant.
Coding change: c.11758C>G on transcript NM_001009944.3 (MANE Select); coding-DNA position 11758, C replaced by G.
Protein change: p.Arg3920Gly; replaces arginine 3920 with glycine.
Molecular consequence: missense variant.
Genome position (GRCh38, 1-based): chr16:2,091,129, G>C on the plus strand (C>G on the coding strand, the complement: PKD1 is on the minus strand). VCF-style: chr16-2091129-G-C. GRCh37 (hg19) VCF-style: chr16-2141130-G-C.
Other names: c.11755C>G, p.Arg3919Gly (NM_000296.4); short protein forms R3919G, R3920G.
Identifiers: ClinVar variation 4687149 (VCV004687149.2).

ClinVar aggregate classification (germline): Uncertain significance. Review status: criteria provided, multiple submitters, no conflicts (2 of 4 stars). 2 submissions from 2 submitters: Uncertain significance (2). Last evaluated 2026-06-30.

Conditions:
PKD1-related disorder. Also called: PKD1-related condition.

gnomAD v4.1: 6 of 1,484,976 alleles (0.0004%); highest among the groups gnomAD compares: South Asian, 0.0025%; no homozygotes.

Submissions (2):

PreventionGenetics, part of Exact Sciences
Classification: Uncertain significance for PKD1-related condition. Last evaluated: 2026-06-30. Review status: criteria provided, single submitter. Criteria: ACMG Guidelines, 2015. Collection method: clinical testing. Allele origin: germline.
Comment: The PKD1 c.11758C>G variant is predicted to result in the amino acid substitution p.Arg3920Gly. To our knowledge, this variant has not been reported in the literature. This variant is reported in 0.0053% of alleles in individuals of Latino descent in gnomAD. At this time, the clinical significance of this variant is uncertain due to the absence of conclusive functional and genetic evidence.

Women's Health and Genetics/Laboratory Corporation of America, LabCorp
Classification: Uncertain significance. Last evaluated: 2025-10-21. Review status: criteria provided, single submitter. Criteria: LabCorp Variant Classification Summary - May 2015. Collection method: clinical testing. Allele origin: germline.
Comment: Variant summary: PKD1 c.11758C>G (p.Arg3920Gly) results in a non-conservative amino acid change in the encoded protein sequence. Algorithms developed to predict the effect of missense changes on protein structure and function are either unavailable or do not agree on the potential impact of this missense change. The variant allele was found at a frequency of 9.6e-06 in 103834 control chromosomes. The available data on variant occurrences in the general population are insufficient to allow any conclusion about variant significance. To our knowledge, no occurrence of c.11758C>G in individuals affected with PKD1-related conditions and no experimental evidence demonstrating its impact on protein function have been reported. No submitters have cited clinical-significance assessments for this variant to ClinVar. Based on the evidence outlined above, the variant was classified as uncertain significance.